The following is an entry in ClinVar:

NM_001165963.4(SCN1A):c.5003C>G (p.Pro1668Arg)

Genes: SCN1A (sodium voltage-gated channel alpha subunit 1; minus strand), LOC102724058 (uncharacterized LOC102724058; plus strand). Cytogenetic location: 2q24.3.
Variant type: single nucleotide variant.
Coding change: c.5003C>G on transcript NM_001165963.4 (MANE Select); coding-DNA position 5003, C replaced by G.
Protein change: p.Pro1668Arg; replaces proline 1668 with arginine.
Molecular consequence: missense variant. On other transcripts: non-coding transcript variant (1).
Genome position (GRCh38, 1-based): chr2:165,992,272, G>C on the plus strand (C>G on the coding strand, the complement: SCN1A is on the minus strand). VCF-style: chr2-165992272-G-C. GRCh37 (hg19) VCF-style: chr2-166848782-G-C.
Other names: c.4919C>G, p.Pro1640Arg (NM_001165964.3, NM_001353957.2, NM_001353958.2); c.5003C>G, p.Pro1668Arg (NM_001202435.3, NM_001353948.2); c.4970C>G, p.Pro1657Arg (NM_001353949.2, NM_001353950.2, NM_001353951.2 and 2 more transcripts); c.4967C>G, p.Pro1656Arg (NM_001353954.2, NM_001353955.2); c.4916C>G, p.Pro1639Arg (NM_001353960.2); c.2561C>G, p.Pro854Arg (NM_001353961.2); short protein forms P1657R, P1668R, P854R, P1639R, P1640R, P1656R.
Identifiers: ClinVar variation 189845 (VCV000189845.1), dbSNP rs794726698, ClinGen allele CA303095.

ClinVar aggregate classification (germline): Pathogenic (1 of 4 stars; one submission).

Conditions:
Severe myoclonic epilepsy in infancy (DRVT). Also called: Epileptic encephalopathy, early infantile, 6 (Dravet syndrome); SEVERE MYOCLONIC EPILEPSY OF INFANCY; DEVELOPMENTAL AND EPILEPTIC ENCEPHALOPATHY 6A; Severe Myoclonic Epilepsy in Infancy (SMEI); Dravet syndrome. Identifiers: Orphanet 33069, MedGen C0751122, MONDO:0100135, OMIM 607208.

Submission:

Center for Bioinformatics, Peking University
Classification: Pathogenic for Dravet syndrome. Last evaluated: 2014-12-20. Review status: criteria provided, single submitter. Criteria: Xu et al. (Hum Mutat. 2015). Collection method: research. Allele origin: maternal. Affected: yes. Observed: 2 variant alleles. Study: University Clinical Cooperation “985 Project” PKU-2014-1-1.
Comment: Dravet syndrome (DS) probands were recruited from the outpatient and inpatient child neurology units of Peking University First Hospital from 2005 till present. The study was approved by the Ethics Committee of Peking University First Hospital and the Institutional Review Board at Peking University. Participants or their parents provided written informed consent before enrollment. We collected a total of 267 mutations from 255 families with probands diagnosed with DS in China. All probands fulfilled the clinical diagnostic criteria.